The following is an entry in ClinVar:

ClinVar aggregate classification (germline): Uncertain significance (1 of 4 stars; one submission).

Conditions:
LAMA2-related muscular dystrophy (LAMA2-RD). Also called: Laminin alpha 2-related dystrophy. Identifiers: MedGen C5679788, MONDO:0100228.

Allele frequency attached by ClinVar (database versions not stated): gnomAD 0.00001.
gnomAD v4.1: 3 of 1,614,004 alleles (0.00019%); highest among the groups gnomAD compares: African/African-American, 0.0013%; no homozygotes.

Submission:

Labcorp Genetics (formerly Invitae), Labcorp
Classification: Uncertain significance for LAMA2-related muscular dystrophy. Last evaluated: 2022-03-14. Review status: criteria provided, single submitter. Criteria: Invitae Variant Classification Sherloc (09022015). Collection method: clinical testing. Allele origin: germline.
Comment: This variant has not been reported in the literature in individuals affected with LAMA2-related conditions. This variant is present in population databases (no rsID available, gnomAD 0.007%). This sequence change replaces aspartic acid, which is acidic and polar, with histidine, which is basic and polar, at codon 560 of the LAMA2 protein (p.Asp560His). Advanced modeling of protein sequence and biophysical properties (such as structural, functional, and spatial information, amino acid conservation, physicochemical variation, residue mobility, and thermodynamic stability) performed at Invitae indicates that this missense variant is not expected to disrupt LAMA2 protein function. In summary, the available evidence is currently insufficient to determine the role of this variant in disease. Therefore, it has been classified as a Variant of Uncertain Significance.

NM_000426.4(LAMA2):c.1678G>C (p.Asp560His)

Gene: LAMA2 (laminin subunit alpha 2; plus strand). Cytogenetic location: 6q22.33.
Variant type: single nucleotide variant.
Coding change: c.1678G>C on transcript NM_000426.4 (MANE Select); coding-DNA position 1678, G replaced by C.
Protein change: p.Asp560His; replaces aspartic acid 560 with histidine.
Molecular consequence: missense variant.
Genome position (GRCh38, 1-based): chr6:129,192,749, G>C. VCF-style: chr6-129192749-G-C. GRCh37 (hg19) VCF-style: chr6-129513894-G-C.
Other names: c.1678G>C, p.Asp560His (NM_001079823.2); short protein forms D560H.
Identifiers: ClinVar variation 1491731 (VCV001491731.8), dbSNP rs768602307, ClinGen allele CA365608230.